The following is an entry in ClinVar:

ClinVar aggregate classification (germline): Uncertain significance (1 of 4 stars; one submission).

Allele frequency attached by ClinVar (database versions not stated): TOPMed below 0.00001; gnomAD exomes 0.00001.

Submission:

Labcorp Genetics (formerly Invitae), Labcorp
Classification: Uncertain significance. Last evaluated: 2023-07-27. Review status: criteria provided, single submitter. Criteria: Invitae Variant Classification Sherloc (09022015). Collection method: clinical testing. Allele origin: germline.
Comment: In summary, the available evidence is currently insufficient to determine the role of this variant in disease. Therefore, it has been classified as a Variant of Uncertain Significance. An algorithm developed to predict the effect of missense changes on protein structure and function (PolyPhen-2) suggests that this variant is likely to be tolerated. This variant has not been reported in the literature in individuals affected with ACOX2-related conditions. This variant is present in population databases (no rsID available, gnomAD 0.006%). This sequence change replaces phenylalanine, which is neutral and non-polar, with serine, which is neutral and polar, at codon 85 of the ACOX2 protein (p.Phe85Ser).

NM_003500.4(ACOX2):c.254T>C (p.Phe85Ser)

Gene: ACOX2 (acyl-CoA oxidase 2; minus strand). Cytogenetic location: 3p14.3.
Variant type: single nucleotide variant.
Coding change: c.254T>C on transcript NM_003500.4 (MANE Select); coding-DNA position 254, T replaced by C.
Protein change: p.Phe85Ser; replaces phenylalanine 85 with serine.
Molecular consequence: missense variant.
Genome position (GRCh38, 1-based): chr3:58,534,429, A>G on the plus strand (T>C on the coding strand, the complement: ACOX2 is on the minus strand). VCF-style: chr3-58534429-A-G. GRCh37 (hg19) VCF-style: chr3-58520156-A-G.
Other names: short protein forms F85S.
Identifiers: ClinVar variation 2903767 (VCV002903767.3), dbSNP rs1358966417, ClinGen allele CA353373083.